The following is an entry in ClinVar:

NM_000551.4(VHL):c.259G>T (p.Val87Leu)

Gene: VHL (von Hippel-Lindau tumor suppressor; plus strand). Cytogenetic location: 3p25.3.
Variant type: single nucleotide variant.
Coding change: c.259G>T on transcript NM_000551.4 (MANE Select); coding-DNA position 259, G replaced by T.
Protein change: p.Val87Leu; replaces valine 87 with leucine.
Molecular consequence: missense variant. On other transcripts: non-coding transcript variant (1).
Genome position (GRCh38, 1-based): chr3:10,142,106, G>T. VCF-style: chr3-10142106-G-T. GRCh37 (hg19) VCF-style: chr3-10183790-G-T.
Other names: c.259G>T, p.Val87Leu (NM_001354723.2, NM_198156.3); short protein forms V87L.
Identifiers: ClinVar variation 3386189 (VCV003386189.1).

ClinVar aggregate classification (germline): Uncertain significance (1 of 4 stars; one submission).

Conditions:
Von Hippel-Lindau syndrome (VHLS). Also called: Von Hippel-Lindau; VHL syndrome; von Hippel–Lindau syndrome. Identifiers: Orphanet 892, MedGen C0019562, MONDO:0008667, OMIM 193300. Disease mechanism: loss of function.

Submission:

All of Us Research Program, National Institutes of Health
Classification: Uncertain significance for Von Hippel-Lindau syndrome. Last evaluated: 2024-03-24. Review status: criteria provided, single submitter. Criteria: ACMG Guidelines, 2015. Collection method: clinical testing. Allele origin: germline. Inheritance: Autosomal dominant inheritance. Observed: 1 variant allele, 1 heterozygote.
Comment: This missense variant replaces valine with leucine at codon 87 of the VHL protein. Computational prediction suggests that this variant may not impact protein structure and function. To our knowledge, functional studies have not been reported for this variant. This variant has not been reported in individuals affected with VHL-related disorders in the literature. This variant has not been identified in the general population by the Genome Aggregation Database (gnomAD). The available evidence is insufficient to determine the role of this variant in disease conclusively. Therefore, this variant is classified as a Variant of Uncertain Significance.

This study involves interpretation of variants in research participants for the purpose of population health screening. Participant phenotype was not available at the time of variant classification. Additional details can be found in publication PMID: 35346344, PMCID: PMC8962531